The following is an entry in ClinVar:

ClinVar aggregate classification (germline): Benign/Likely benign. Review status: criteria provided, multiple submitters, no conflicts (2 of 4 stars). 3 submissions from 3 submitters: Benign (1); Likely benign (2). Last evaluated 2024-08-06.

Conditions:
Familial adenomatous polyposis 1 (FAP1). Also called: POLYPOSIS, ADENOMATOUS INTESTINAL; FAMILIAL ADENOMATOUS POLYPOSIS 1, ATTENUATED. Identifiers: MedGen C2713442, MONDO:0021056, OMIM 175100. Disease mechanism: loss of function.
Classic or attenuated familial adenomatous polyposis. Identifiers: MedGen CN372698, MONDO:0021057.

Submissions (3):

Labcorp Genetics (formerly Invitae), Labcorp
Classification: Likely benign for Familial adenomatous polyposis 1. Last evaluated: 2024-08-06. Review status: criteria provided, single submitter. Criteria: Invitae Variant Classification Sherloc (09022015). Collection method: clinical testing. Allele origin: germline.

All of Us Research Program, National Institutes of Health
Classification: Likely benign for Classic or attenuated familial adenomatous polyposis. Last evaluated: 2024-05-14. Review status: criteria provided, single submitter. Criteria: ACMG Guidelines, 2015. Collection method: clinical testing. Allele origin: germline. Inheritance: Autosomal dominant inheritance. Observed: 1 variant allele, 1 heterozygote.
Comment: This study involves interpretation of variants in research participants for the purpose of population health screening. Participant phenotype was not available at the time of variant classification. Additional details can be found in publication PMID: 35346344, PMCID: PMC8962531

Myriad Genetics, Inc.
Classification: Benign for Familial adenomatous polyposis 1. Last evaluated: 2024-02-29. Review status: criteria provided, single submitter. Criteria: Myriad Autosomal Dominant, Autosomal Recessive and X-Linked Classification Criteria (2023). Collection method: clinical testing. Allele origin: unknown.
Comment: This variant is considered benign. This variant is a silent/synonymous amino acid change and it is not expected to impact splicing.

NM_000038.6(APC):c.955T>C (p.Leu319=)

Gene: APC (APC regulator of Wnt signaling pathway; plus strand). Cytogenetic location: 5q22.2.
Variant type: single nucleotide variant.
Coding change: c.955T>C on transcript NM_000038.6 (MANE Select); coding-DNA position 955, T replaced by C.
Protein change: p.Leu319=; no amino-acid change (leucine 319 retained).
Molecular consequence: synonymous variant. On other transcripts: non-coding transcript variant (2), intron variant (15).
Genome position (GRCh38, 1-based): chr5:112,818,987, T>C. VCF-style: chr5-112818987-T-C. GRCh37 (hg19) VCF-style: chr5-112154684-T-C.
Other names: c.955T>C, p.Leu319= (NM_001127510.3, NM_001354895.2, NM_001354896.2 and 4 more transcripts); c.901T>C, p.Leu301= (NM_001127511.3); c.985T>C, p.Leu329= (NM_001354897.2, NM_001407446.1); c.880T>C, p.Leu294= (NM_001354898.2, NM_001407451.1); c.871T>C, p.Leu291= (NM_001354899.2, NM_001407452.1); c.778T>C, p.Leu260= (NM_001354900.2, NM_001354901.2, NM_001407453.1); c.106T>C, p.Leu36= (NM_001354906.2, NM_001407470.1); c.85-282T>C (NM_001407472.1, NM_001407471.1); and 5 more.
Identifiers: ClinVar variation 3148601 (VCV003148601.4), dbSNP rs2149778929, ClinGen allele CA445755753.
Genomic context (GRCh38, chr5:112,818,987, plus strand): 5'-AAAGTCGTAATTTTGTTTCTAAACTCATTTGGCCCACAGGTGGAAATGGTGTATTCATTG[T>C]TGTCAATGCTTGGTACTCATGATAAGGATGATATGTCGCGAACTTTGCTAGCTATGTCTA-3'
Protein context (NP_000029.2, residues 309-329): GTKVEMVYSL[Leu319=]SMLGTHDKDD